The following is an entry in ClinVar:

NM_004960.4(FUS):c.765-4C>T

Gene: FUS (FUS RNA binding protein; plus strand). Cytogenetic location: 16p11.2.
Variant type: single nucleotide variant.
Coding change: c.765-4C>T on transcript NM_004960.4 (MANE Select); 4 bases into the intron before coding-DNA position 765, C replaced by T.
Molecular consequence: intron variant.
Genome position (GRCh38, 1-based): chr16:31,186,798, C>T. VCF-style: chr16-31186798-C-T. GRCh37 (hg19) VCF-style: chr16-31198119-C-T.
Other names: c.753-4C>T (NM_001170937.1); c.762-4C>T (NM_001170634.1).
Identifiers: ClinVar variation 1759990 (VCV001759990.2), dbSNP rs2544262794, ClinGen allele CA494712143.
Genomic context (GRCh38, chr16:31,186,798, plus strand): 5'-CAAAAAACAACCTTTTGTAGCCGTTGGAAGCTTCATGTCCTTTCTTCTAACTTGTCTTCT[C>T]CAGCGGAAGTGACCGTGGTGGCTTCAATAAATTTGGTGGTAAGTGAACAGAGTTTCCAAA-3'

ClinVar aggregate classification (germline): Uncertain significance (1 of 4 stars; one submission).

Conditions:
Inborn genetic diseases. Identifiers: MedGen C0950123, MeSH D030342.

Allele frequency attached by ClinVar (database versions not stated): gnomAD exomes below 0.00001.
gnomAD v4.1: 2 of 1,614,118 alleles (0.00012%); highest among the groups gnomAD compares: African/African-American, 0.0013%; no homozygotes.

Submission:

Ambry Genetics
Classification: Uncertain significance for Inborn genetic diseases. Last evaluated: 2020-02-21. Review status: criteria provided, single submitter. Criteria: Ambry Variant Classification Scheme 2023. Collection method: clinical testing. Allele origin: germline.
Comment: The c.765-4C>T intronic variant results from a C to T substitution 4 nucleotides upstream from coding exon 7 in the FUS gene. This nucleotide position is not well conserved in available vertebrate species. Using the BDGP and ESEfinder splice site prediction tools, this alteration is not predicted to have any significant effect on this splice acceptor site; however, direct evidence is unavailable. Since supporting evidence is limited at this time, the clinical significance of this alteration remains unclear.